The following is an entry in ClinVar:

NM_000060.4:c.479G>A

Variant type: single nucleotide variant.
Other names: c.479G>A (NM_000060.4).
Identifiers: ClinVar variation 4816015 (VCV004816015.1).

ClinVar aggregate classification (germline): Likely pathogenic (1 of 4 stars; one submission).

Conditions:
Biotinidase deficiency. Also called: BTD deficiency; Late-onset biotin-responsive multiple carboxylase deficiency; Biotin deficiency. Identifiers: Orphanet 79241, MedGen C0220754, MONDO:0009665, OMIM 253260.

Submission:

Natera, Inc.
Classification: Likely pathogenic for Biotinidase deficiency. Last evaluated: 2024-12-16. Review status: criteria provided, single submitter. Criteria: Natera Variant Classification Schema (03/2026). Collection method: clinical testing. Allele origin: germline.
Comment: The c.479G>A variant in BTD is a missense variant predicted to cause substitution of cysteine to tyrosine at amino acid 160. This variant is rare in the general population with a frequency below the threshold expected for the associated phenotype(s). This variant has been observed in one or more individuals affected with the associated recessive disease, as either homozygous or compound heterozygous with a second variant (PMID: 25174816). Functional studies show that this variant may disrupt protein function (PMID: 31337602). Computational prediction algorithms indicate this variant is likely to affect gene or protein function. Given the available evidence, this variant is classified as Likely Pathogenic.

Literature cited by the submitters: PubMed 25174816; PubMed 31337602.